The following is an entry in ClinVar:

ClinVar aggregate classification (germline): Likely benign (1 of 4 stars; one submission).

Conditions:
Familial cancer of breast. Also called: hereditary breast carcinoma; Hereditary breast cancer; BREAST CANCER, FAMILIAL. Identifiers: Orphanet 227535, MedGen C0346153, MONDO:0016419, OMIM 114480. Disease mechanism: loss of function.

gnomAD v4.1: 1 of 1,613,210 alleles (0.000062%); highest among the groups gnomAD compares: African/African-American, 0.0013%; no homozygotes.

Submission:

Myriad Genetics, Inc.
Classification: Likely benign for Familial cancer of breast. Last evaluated: 2024-07-29. Review status: criteria provided, single submitter. Criteria: Myriad Autosomal Dominant, Autosomal Recessive and X-Linked Classification Criteria (2023). Collection method: clinical testing. Allele origin: unknown.
Comment: This variant is considered likely benign. This variant is intronic and is not expected to impact mRNA splicing.

NM_000465.4(BARD1):c.2002-12T>C

Gene: BARD1 (BRCA1 associated RING domain 1; minus strand). Cytogenetic location: 2q35.
Variant type: single nucleotide variant.
Coding change: c.2002-12T>C on transcript NM_000465.4 (MANE Select); 12 bases into the intron before coding-DNA position 2002, T replaced by C.
Molecular consequence: intron variant.
Genome position (GRCh38, 1-based): chr2:214,729,020, A>G on the plus strand (T>C on the coding strand, the complement: BARD1 is on the minus strand). VCF-style: chr2-214729020-A-G. GRCh37 (hg19) VCF-style: chr2-215593744-A-G.
Other names: c.592-12T>C (NM_001282548.2); c.1945-12T>C (NM_001282543.2); c.649-12T>C (NM_001282545.2); c.463-12T>C (NM_001282549.2).
Identifiers: ClinVar variation 3378424 (VCV003378424.1).
Genomic context (GRCh38, chr2:214,729,020, plus strand): 5'-TGAAGGTTCCCCACAAATAGAAGTAGCATCCATCAAACAGCTTTGGCAACTGAAATAATG[A>G]GAAAACATTTGTTAAAGGCAGATCAAAATACTGTATTCAAAAACACTGTATATGAATGAG-3'